The following is an entry in ClinVar:

NM_002227.4(JAK1):c.2749A>G (p.Asn917Asp)

Gene: JAK1 (Janus kinase 1; minus strand). Cytogenetic location: 1p31.3.
Variant type: single nucleotide variant.
Coding change: c.2749A>G on transcript NM_002227.4 (MANE Select); coding-DNA position 2749, A replaced by G.
Protein change: p.Asn917Asp; replaces asparagine 917 with aspartic acid.
Molecular consequence: missense variant.
Genome position (GRCh38, 1-based): chr1:64,839,696, T>C on the plus strand (A>G on the coding strand, the complement: JAK1 is on the minus strand). VCF-style: chr1-64839696-T-C. GRCh37 (hg19) VCF-style: chr1-65305379-T-C.
Other names: c.2749A>G, p.Asn917Asp (NM_001320923.2, NM_001321852.2, NM_001321853.2 and 3 more transcripts); c.2746A>G, p.Asn916Asp (NM_001321857.2); short protein forms N917D, N916D.
Identifiers: ClinVar variation 134546 (VCV000134546.7), dbSNP rs539218457, ClinGen allele CA160148.

ClinVar aggregate classification (germline): Uncertain significance. Review status: criteria provided, single submitter (1 of 4 stars). 2 submissions from 2 submitters: Uncertain significance (1). 1 of the submissions does not count toward it. Last evaluated 2024-10-29.

Allele frequency attached by ClinVar (database versions not stated): gnomAD below 0.00001 and 0.00002; gnomAD exomes 0.00001 and 0.00002; TOPMed 0.00001; ExAC 0.00002; 1000 Genomes Project 0.00040; 1000 Genomes Project 30x 0.00047.
gnomAD v4.1: 17 of 1,614,200 alleles (0.0011%); highest among the groups gnomAD compares: Admixed American, 0.023%; no homozygotes.

Submissions (2):

Labcorp Genetics (formerly Invitae), Labcorp
Classification: Uncertain significance. Last evaluated: 2024-10-29. Review status: criteria provided, single submitter. Criteria: Invitae Variant Classification Sherloc (09022015). Collection method: clinical testing. Allele origin: germline.
Comment: This sequence change replaces asparagine, which is neutral and polar, with aspartic acid, which is acidic and polar, at codon 917 of the JAK1 protein (p.Asn917Asp). This variant is present in population databases (rs539218457, gnomAD 0.01%). This variant has not been reported in the literature in individuals affected with JAK1-related conditions. ClinVar contains an entry for this variant (Variation ID: 134546). An algorithm developed to predict the effect of missense changes on protein structure and function (PolyPhen-2) suggests that this variant is likely to be tolerated. In summary, the available evidence is currently insufficient to determine the role of this variant in disease. Therefore, it has been classified as a Variant of Uncertain Significance.

ITMI
No classification provided. Condition: AllHighlyPenetrant. Last evaluated: 2013-09-19. Review status: no classification provided. Collection method: reference population. Allele origin: germline. Not counted in ClinVar's aggregate classification.
Comment: Please see associated publication for description of ethnicities

Literature cited by the submitters: PubMed 24728327 (cited by ITMI).